The following is an entry in ClinVar:

ClinVar aggregate classification (germline): Benign. Review status: criteria provided, single submitter (1 of 4 stars). 2 submissions from 2 submitters: Benign (1). 1 of the submissions does not count toward it. Last evaluated 2018-03-28.

Conditions:
AGO3-related disorder. Also called: AGO3-related condition.

Allele frequency attached by ClinVar (database versions not stated): gnomAD exomes 0.00032 and 0.00012; 1000 Genomes Project 30x 0.00094; TOPMed 0.00151; ESP Exome Variant Server 0.00169; gnomAD 0.00145 and 0.00156; ExAC 0.00052; 1000 Genomes Project 0.00080.
gnomAD v4.1: 406 of 1,613,722 alleles (0.025%); highest among the groups gnomAD compares: African/African-American, 0.51%; 3 homozygotes.

Submissions (2):

Labcorp Genetics (formerly Invitae), Labcorp
Classification: Benign. Last evaluated: 2018-03-28. Review status: criteria provided, single submitter. Criteria: Invitae Variant Classification Sherloc (09022015). Collection method: clinical testing. Allele origin: germline.

PreventionGenetics, part of Exact Sciences
Classification: Likely benign for AGO3-related condition. Last evaluated: 2019-08-22. Review status: no assertion criteria provided. Collection method: clinical testing. Allele origin: germline. Not counted in ClinVar's aggregate classification.
Comment: This variant is classified as likely benign based on ACMG/AMP sequence variant interpretation guidelines (Richards et al. 2015 PMID: 25741868, with internal and published modifications).

NM_024852.4(AGO3):c.510G>A (p.Leu170=)

Gene: AGO3 (argonaute RISC catalytic component 3; plus strand). Cytogenetic location: 1p34.3.
Variant type: single nucleotide variant.
Coding change: c.510G>A on transcript NM_024852.4 (MANE Select); coding-DNA position 510, G replaced by A.
Protein change: p.Leu170=; no amino-acid change (leucine 170 retained).
Molecular consequence: synonymous variant. On other transcripts: 5 prime UTR variant (1).
Genome position (GRCh38, 1-based): chr1:35,972,221, G>A. VCF-style: chr1-35972221-G-A. GRCh37 (hg19) VCF-style: chr1-36437822-G-A.
Other names: c.-56G>A (NM_177422.3).
Identifiers: ClinVar variation 723872 (VCV000723872.5), dbSNP rs140942553, ClinGen allele CA763592.